The following is an entry in ClinVar:

NM_021930.6(RINT1):c.2105C>T (p.Ala702Val)

Genes: EFCAB10 (EF-hand calcium binding domain 10; minus strand), RINT1 (RAD50 interactor 1; plus strand). Cytogenetic location: 7q22.3.
Variant type: single nucleotide variant.
Coding change: c.2105C>T on transcript NM_021930.6 (MANE Select); coding-DNA position 2105, C replaced by T.
Protein change: p.Ala702Val; replaces alanine 702 with valine.
Molecular consequence: missense variant. On other transcripts: synonymous variant (1), non-coding transcript variant (1), intron variant (2).
Genome position (GRCh38, 1-based): chr7:105,565,567, C>T. VCF-style: chr7-105565567-C-T. GRCh37 (hg19) VCF-style: chr7-105206014-C-T.
Other names: c.432G>A, p.Gly144= (NM_001355530.2); c.1871C>T, p.Ala624Val (NM_001346599.2); c.1082C>T, p.Ala361Val (NM_001346600.2, NM_001346603.2); c.1181C>T, p.Ala394Val (NM_001346601.2); c.360-120G>A (NM_001355531.2); c.384-120G>A (NM_001355526.2); short protein forms A624V, A361V, A394V, A702V.
Identifiers: ClinVar variation 1785977 (VCV001785977.2), dbSNP rs1791683980, ClinGen allele CA368815129.
Genomic context (GRCh38, chr7:105,565,567, plus strand): 5'-ATATGAATTATTCTTTGTTTCAGATAATTCTTGCTAATCACTTCAATGAAGGAGGAGCAG[C>T]CCAGCTGCAGTTTGATATGACTCGGAATCTTTTCCCTTTGTTTTCTCACTATTGCAAGAG-3'
Protein context (NP_068749.3, residues 692-712): LANHFNEGGA[Ala702Val]QLQFDMTRNL

ClinVar aggregate classification (germline): Uncertain significance (1 of 4 stars; one submission).

Submission:

Ambry Genetics
Classification: Uncertain significance. Last evaluated: 2022-03-16. Review status: criteria provided, single submitter. Criteria: Ambry Variant Classification Scheme 2023. Collection method: clinical testing. Allele origin: germline.
Comment: The p.A702V variant (also known as c.2105C>T), located in coding exon 14 of the RINT1 gene, results from a C to T substitution at nucleotide position 2105. The alanine at codon 702 is replaced by valine, an amino acid with similar properties. This amino acid position is conserved. In addition, this alteration is predicted to be tolerated by in silico analysis. Since supporting evidence is limited at this time, the clinical significance of this alteration remains unclear.